The following is an entry in ClinVar:

NM_015909.4(NBAS):c.4797+6T>C

Gene: NBAS (NBAS subunit of NRZ tethering complex; minus strand). Cytogenetic location: 2p24.3.
Variant type: single nucleotide variant.
Coding change: c.4797+6T>C on transcript NM_015909.4 (MANE Select); 6 bases into the intron after coding-DNA position 4797, T replaced by C.
Molecular consequence: intron variant.
Genome position (GRCh38, 1-based): chr2:15,308,210, A>G on the plus strand (T>C on the coding strand, the complement: NBAS is on the minus strand). VCF-style: chr2-15308210-A-G. GRCh37 (hg19) VCF-style: chr2-15448334-A-G.
Identifiers: ClinVar variation 2131052 (VCV002131052.4), dbSNP rs2528282517, ClinGen allele CA2580063610.

ClinVar aggregate classification (germline): Uncertain significance (1 of 4 stars; one submission).

Submission:

Labcorp Genetics (formerly Invitae), Labcorp
Classification: Uncertain significance. Last evaluated: 2022-04-28. Review status: criteria provided, single submitter. Criteria: Invitae Variant Classification Sherloc (09022015). Collection method: clinical testing. Allele origin: germline.
Comment: This sequence change falls in intron 40 of the NBAS gene. It does not directly change the encoded amino acid sequence of the NBAS protein. It affects a nucleotide within the consensus splice site. This variant is not present in population databases (gnomAD no frequency). This variant has not been reported in the literature in individuals affected with NBAS-related conditions. Variants that disrupt the consensus splice site are a relatively common cause of aberrant splicing (PMID: 17576681, 9536098). Algorithms developed to predict the effect of sequence changes on RNA splicing suggest that this variant is not likely to affect RNA splicing. In summary, the available evidence is currently insufficient to determine the role of this variant in disease. Therefore, it has been classified as a Variant of Uncertain Significance.

Literature cited by the submitters: PubMed 17576681; PubMed 9536098.